The following is an entry in ClinVar:

ClinVar aggregate classification (germline): Pathogenic (1 of 4 stars; one submission).

Conditions:
Oculofaciocardiodental syndrome (MCOPS2). Identifiers: Orphanet 2712, MedGen C1846265, MONDO:0010261, OMIM 300166.

Submission:

Labcorp Genetics (formerly Invitae), Labcorp
Classification: Pathogenic for Oculofaciocardiodental syndrome. Last evaluated: 2022-12-13. Review status: criteria provided, single submitter. Criteria: Invitae Variant Classification Sherloc (09022015). Collection method: clinical testing. Allele origin: germline.
Comment: This sequence change creates a premature translational stop signal (p.Ala275Serfs*26) in the BCOR gene. It is expected to result in an absent or disrupted protein product. Loss-of-function variants in BCOR are known to be pathogenic (PMID: 15004558, 19367324). This variant is not present in population databases (gnomAD no frequency). This variant has not been reported in the literature in individuals affected with BCOR-related conditions. For these reasons, this variant has been classified as Pathogenic.

Literature cited by the submitters: PubMed 15004558; PubMed 19367324.

NM_001123385.2(BCOR):c.821dup (p.Ala275fs)

Genes: BCOR (BCL6 corepressor; minus strand), LOC126863239 (MED14-independent group 3 enhancer GRCh37_chrX:39932994-39934193; plus strand). Cytogenetic location: Xp11.4.
Variant type: Duplication.
Coding change: c.821dup on transcript NM_001123385.2 (MANE Select); coding-DNA position 821, one base duplicated (C; older notation c.821dupC).
Protein change: p.Ala275fs; shifts the reading frame from alanine 275.
Molecular consequence: frameshift variant.
Genome position (GRCh38, 1-based): chrX:40,074,525, G duplicated on the plus strand (C on the coding strand, the reverse complement: BCOR is on the minus strand); the first of 4 consecutive G bases (chrX:40,074,525-40,074,528); duplicating any one gives the same sequence. VCF-style (leftmost placement, unchanged base first): chrX-40074524-T-TG. GRCh37 (hg19) VCF-style: chrX-39933777-T-TG.
Other names: c.818dup, p.Ala275Serfs (NM_001123383.2); c.821dup, p.Ala275fs (NM_001123384.2, NM_017745.6); short protein forms A275fs.
Identifiers: ClinVar variation 2820321 (VCV002820321.3), dbSNP rs2520083089, ClinGen allele CA2739273406.